The following is an entry in ClinVar:

ClinVar aggregate classification (germline): Likely benign (1 of 4 stars; one submission).

gnomAD v4.1: 193 of 1,613,034 alleles (0.012%); highest among the groups gnomAD compares: East Asian, 0.41%; no homozygotes.

Submission:

CeGaT Center for Human Genetics Tuebingen
Classification: Likely benign. Last evaluated: 2025-02-01. Review status: criteria provided, single submitter. Criteria: CeGaT Center For Human Genetics Tuebingen Variant Classification Criteria Version 2. Collection method: clinical testing. Allele origin: germline. Affected: yes. Observed: 1 variant allele.
Comment: ZNF292: BP4, BS1

NM_015021.3(ZNF292):c.6214C>T (p.Leu2072Phe)

Gene: ZNF292 (zinc finger protein 292; plus strand). Cytogenetic location: 6q14.3.
Variant type: single nucleotide variant.
Coding change: c.6214C>T on transcript NM_015021.3 (MANE Select); coding-DNA position 6214, C replaced by T.
Protein change: p.Leu2072Phe; replaces leucine 2072 with phenylalanine.
Molecular consequence: missense variant.
Genome position (GRCh38, 1-based): chr6:87,259,843, C>T. VCF-style: chr6-87259843-C-T. GRCh37 (hg19) VCF-style: chr6-87969561-C-T.
Other names: c.5794C>T, p.Leu1932Phe (NM_001351444.2); short protein forms L1932F, L2072F.
Identifiers: ClinVar variation 3771366 (VCV003771366.13).
Genomic context (GRCh38, chr6:87,259,843, plus strand): 5'-AAAACAGAAAGTTCTTTACAAGTGATTACAGTTACTTCAGAACAATGTAATACAAATGCA[C>T]TCACAAACACACAAACCAAAGGACGGAAGATTAGGAGGCATAAAAAAGAAAAGGAGGAGA-3'
Protein context (NP_055836.1, residues 2062-2082): VTSEQCNTNA[Leu2072Phe]TNTQTKGRKI